The following is an entry in ClinVar:

NC_000022.11:g.20355545A>G

Variant type: single nucleotide variant.
Genome position: GRCh38 VCF-style: chr22-20355545-A-G. GRCh37 (hg19) VCF-style: chr22-20709835-A-G.
Identifiers: ClinVar variation 4280940 (VCV004280940.7).

ClinVar aggregate classification (germline): Likely benign (1 of 4 stars; one submission).

Submission:

CeGaT Center for Human Genetics Tuebingen
Classification: Likely benign. Last evaluated: 2025-09-01. Review status: criteria provided, single submitter. Criteria: CeGaT Center For Human Genetics Tuebingen Variant Classification Criteria Version 2. Collection method: clinical testing. Allele origin: germline. Affected: yes. Observed: 1 variant allele.
Comment: FAM230A: BS2